The following is an entry in ClinVar:

NM_000179.3(MSH6):c.3964G>T (p.Glu1322Ter)

Gene: MSH6 (mutS homolog 6; plus strand). Cytogenetic location: 2p16.3.
Variant type: single nucleotide variant.
Coding change: c.3964G>T on transcript NM_000179.3 (MANE Select); coding-DNA position 3964, G replaced by T.
Protein change: p.Glu1322Ter; replaces glutamic acid 1322 with a stop codon.
Molecular consequence: nonsense.
Genome position (GRCh38, 1-based): chr2:47,806,614, G>T. VCF-style: chr2-47806614-G-T. GRCh37 (hg19) VCF-style: chr2-48033753-G-T.
Other names: c.3574G>T, p.Glu1192Ter (NM_001281492.2); c.3058G>T, p.Glu1020Ter (NM_001281493.2, NM_001281494.2); short protein forms E1322*, E1192*, E1020*.
Identifiers: ClinVar variation 433932 (VCV000433932.54), dbSNP rs1553333707, ClinGen allele CA346761548.

ClinVar aggregate classification (germline): Pathogenic. Review status: criteria provided, multiple submitters, no conflicts (2 of 4 stars). 6 submissions from 6 submitters: Pathogenic (4). 2 of the submissions do not count toward it. Last evaluated 2025-04-28.

Conditions:
Hereditary cancer-predisposing syndrome. Also called: Hereditary neoplastic syndrome; Tumor predisposition; Hereditary Cancer Syndrome; Neoplastic Syndromes, Hereditary. Identifiers: Orphanet 140162, MedGen C0027672, MeSH D009386, MONDO:0015356.
Hereditary nonpolyposis colorectal neoplasms. Identifiers: MedGen C0009405, MeSH D003123.
Lynch-like syndrome.
Lynch syndrome 5 (LYNCH5). Also called: Hereditary non-polyposis colorectal cancer, type 5; Colorectal cancer, hereditary nonpolyposis, type 5. Identifiers: Orphanet 144, MedGen C1833477, MONDO:0013710, OMIM 614350. Disease mechanism: loss of function.

Submissions (6):

Labcorp Genetics (formerly Invitae), Labcorp
Classification: Pathogenic for Hereditary nonpolyposis colorectal neoplasms. Last evaluated: 2025-04-28. Review status: criteria provided, single submitter. Criteria: Invitae Variant Classification Sherloc (09022015). Collection method: clinical testing. Allele origin: germline.
Comment: This sequence change creates a premature translational stop signal (p.Glu1322*) in the MSH6 gene. While this is not anticipated to result in nonsense mediated decay, it is expected to disrupt the last 39 amino acid(s) of the MSH6 protein. This variant is not present in population databases (gnomAD no frequency). This premature translational stop signal has been observed in individual(s) with ovarian cancer (PMID: 25081409). ClinVar contains an entry for this variant (Variation ID: 433932). Algorithms developed to predict the effect of sequence changes on RNA splicing suggest that this variant may disrupt the consensus splice site. This variant disrupts a region of the MSH6 protein in which other variant(s) (p.Leu1330Valfs*12) have been determined to be pathogenic (PMID: 14520694, 19851887, 21155762). This suggests that this is a clinically significant region of the protein, and that variants that disrupt it are likely to be disease-causing. For these reasons, this variant has been classified as Pathogenic.

Ambry Genetics
Classification: Pathogenic for Hereditary cancer-predisposing syndrome. Last evaluated: 2024-07-30. Review status: criteria provided, single submitter. Criteria: Ambry Variant Classification Scheme 2023. Collection method: clinical testing. Allele origin: germline.
Comment: The p.E1322* pathogenic mutation (also known as c.3964G>T), located in coding exon 9 of the MSH6 gene, results from a G to T substitution at nucleotide position 3964. This changes the amino acid from a glutamic acid to a stop codon within coding exon 9. In addition to the clinical data presented in the literature, this alteration is expected to result in loss of function by premature protein truncation. As such, this alteration is interpreted as a disease-causing mutation.

Myriad Genetics, Inc.
Classification: Pathogenic for Lynch syndrome 5. Last evaluated: 2023-08-28. Review status: criteria provided, single submitter. Criteria: Myriad Autosomal Dominant, Autosomal Recessive and X-Linked Classification Criteria (2023). Collection method: clinical testing. Allele origin: unknown.
Comment: This variant is considered pathogenic. This variant creates a termination codon and is predicted to result in premature protein truncation.

CeGaT Center for Human Genetics Tuebingen
Classification: Pathogenic. Last evaluated: 2020-05-01. Review status: criteria provided, single submitter. Criteria: CeGaT Center For Human Genetics Tuebingen Variant Classification Criteria Version 2. Collection method: clinical testing. Allele origin: germline. Affected: yes. Observed: 1 variant allele.

Constitutional Genetics Lab, Leon Berard Cancer Center
Classification: Pathogenic for Lynch-like syndrome. Last evaluated: 2019-07-01. Review status: no assertion criteria provided. Collection method: clinical testing. Allele origin: somatic. Affected: yes. Not counted in ClinVar's aggregate classification.

Department of Pathology and Laboratory Medicine, Sinai Health System
Classification: Uncertain significance. Review status: no assertion criteria provided. Collection method: clinical testing. Allele origin: unknown. Affected: yes. Observed: 5 variant alleles. Study: The Canadian Open Genetics Repository (COGR). Not counted in ClinVar's aggregate classification.

Literature cited by the submitters: PubMed 25081409 (cited by Labcorp Genetics (formerly Invitae), Labcorp and Ambry Genetics); PubMed 14520694 (cited by Labcorp Genetics (formerly Invitae), Labcorp); PubMed 19851887 (cited by Labcorp Genetics (formerly Invitae), Labcorp); PubMed 21155762 (cited by Labcorp Genetics (formerly Invitae), Labcorp); PubMed 31175329 (cited by Ambry Genetics); PubMed 32019284 (cited by Ambry Genetics).